The following is an entry in ClinVar:

ClinVar aggregate classification (germline): Conflicting classifications of pathogenicity. Review status: criteria provided, conflicting classifications (1 of 4 stars). 3 submissions from 3 submitters: Uncertain significance (2); Likely benign (1). Last evaluated 2026-06-26.

Conditions:
Mitochondrial complex IV deficiency, nuclear type 1 (MC4DN1). Also called: Mitochondrial complex IV deficiency; COX DEFICIENCY; Complex 4 mitochondrial respiratory chain deficiency; Deficiency of mitochondrial respiratory chain complex4; Complex IV deficiency. Identifiers: MedGen C5435656, MONDO:0700250, OMIM 220110. Disease mechanism: loss of function.
Inborn genetic diseases. Identifiers: MedGen C0950123, MeSH D030342.

Allele frequency attached by ClinVar (database versions not stated): TOPMed 0.00002.
gnomAD v4.1: 33 of 1,614,170 alleles (0.002%); highest among the groups gnomAD compares: Non-Finnish European, 0.0025%; no homozygotes.

Submissions (3):

Ambry Genetics
Classification: Likely benign for Inborn genetic diseases. Last evaluated: 2026-06-26. Review status: criteria provided, single submitter. Criteria: Ambry Variant Classification Scheme 2023. Collection method: clinical testing. Allele origin: germline.

GeneDx
Classification: Uncertain significance. Last evaluated: 2024-12-18. Review status: criteria provided, single submitter. Criteria: GeneDx Variant Classification Process June 2021. Collection method: clinical testing. Allele origin: germline. Affected: yes.
Comment: Not observed at significant frequency in large population cohorts (gnomAD); In silico analysis indicates that this missense variant does not alter protein structure/function; Has not been previously published as pathogenic or benign to our knowledge

Illumina Laboratory Services, Illumina
Classification: Uncertain significance for Mitochondrial complex IV deficiency, nuclear type 1. Last evaluated: 2018-01-13. Review status: criteria provided, single submitter. Criteria: ICSL Variant Classification Criteria 13 December 2019. Collection method: clinical testing. Allele origin: germline.

NM_016360.4(TACO1):c.874G>A (p.Val292Ile)

Gene: TACO1 (translational activator of cytochrome c oxidase I; plus strand). Cytogenetic location: 17q23.3.
Variant type: single nucleotide variant.
Coding change: c.874G>A on transcript NM_016360.4 (MANE Select); coding-DNA position 874, G replaced by A.
Protein change: p.Val292Ile; replaces valine 292 with isoleucine.
Molecular consequence: missense variant.
Genome position (GRCh38, 1-based): chr17:63,607,982, G>A. VCF-style: chr17-63607982-G-A. GRCh37 (hg19) VCF-style: chr17-61685342-G-A.
Other names: short protein forms V292I.
Identifiers: ClinVar variation 889084 (VCV000889084.6), dbSNP rs150322947, ClinGen allele CA292910211.